The following is an entry in ClinVar:

ClinVar aggregate classification (germline): Pathogenic (1 of 4 stars; one submission).

Conditions:
Mitochondrial complex I deficiency, nuclear type 23. Also called: Mitochondrial complex 1 deficiency, nuclear type 23. Identifiers: MedGen C4748799, MONDO:0032627, OMIM 618244.

Submission:

Women's Health and Genetics/Laboratory Corporation of America, LabCorp
Classification: Pathogenic for Mitochondrial complex I deficiency, nuclear type 23. Last evaluated: 2024-06-10. Review status: criteria provided, single submitter. Criteria: LabCorp Variant Classification Summary - May 2015. Collection method: clinical testing. Allele origin: germline.
Comment: Variant summary: NDUFA12 c.5delA (p.Glu2GlyfsX2) results in a premature termination codon, predicted to cause absence of the protein due to nonsense mediated decay, which is a commonly known mechanism for disease. The variant was absent in 251404 control chromosomes. To our knowledge, no occurrence of c.5delA in individuals affected with Mitochondrial Complex 1 Deficiency, Nuclear Type 23 and no experimental evidence demonstrating its impact on protein function have been reported. No submitters have cited clinical-significance assessments for this variant to ClinVar. Based on the evidence outlined above, the variant was classified as pathogenic.

NM_018838.5(NDUFA12):c.5del (p.Glu2fs)

Gene: NDUFA12 (NADH:ubiquinone oxidoreductase subunit A12; minus strand). Cytogenetic location: 12q22.
Variant type: Deletion.
Coding change: c.5del on transcript NM_018838.5 (MANE Select); coding-DNA position 5, one base deleted (A; older notation c.5delA).
Protein change: p.Glu2fs; shifts the reading frame from glutamic acid 2.
Molecular consequence: frameshift variant.
Genome position (GRCh38, 1-based): chr12:95,003,676, T deleted on the plus strand (A on the coding strand, the reverse complement: NDUFA12 is on the minus strand). VCF-style (leftmost placement, unchanged base first): chr12-95003675-CT-C. GRCh37 (hg19) VCF-style: chr12-95397451-CT-C.
Other names: c.5del, p.Glu2fs (NM_001258338.2); c.5delA (NM_018838.5); short protein forms E2fs.
Identifiers: ClinVar variation 3339658 (VCV003339658.1).